The following is an entry in ClinVar:

NM_000548.5(TSC2):c.-11C>G

Gene: TSC2 (TSC complex subunit 2; plus strand). Cytogenetic location: 16p13.3.
Variant type: single nucleotide variant.
Coding change: c.-11C>G on transcript NM_000548.5 (MANE Select); 11 bases upstream of the start codon, C replaced by G.
Molecular consequence: 5 prime UTR variant. On other transcripts: missense variant (1), non-coding transcript variant (5), intron variant (6).
Genome position (GRCh38, 1-based): chr16:2,048,605, C>G. VCF-style: chr16-2048605-C-G. GRCh37 (hg19) VCF-style: chr16-2098606-C-G.
Other names: c.-11C>G (NM_001077183.3, NM_001114382.3, NM_001318827.2 and 13 more transcripts); c.-237C>G (NM_001318831.2, NM_001406682.1, NM_001406684.1 and 2 more transcripts); c.23C>G, p.Ser8Cys (NM_001318832.2); c.-827C>G (NM_001406680.1, NM_001406683.1, NM_001406687.1); c.-456C>G (NM_001406681.1); c.-1442C>G (NM_001406689.1, NM_001406690.1, NM_001406691.1 and 2 more transcripts); c.-1748C>G (NM_001406693.1); c.-1323C>G (NM_001406694.1, NM_001406695.1); and 4 more; short protein forms S8C.
Identifiers: ClinVar variation 4756614 (VCV004756614.1).

ClinVar aggregate classification (germline): Uncertain significance (1 of 4 stars; one submission).

Conditions:
Tuberous sclerosis syndrome (TSC). Also called: Tuberous Sclerosis Complex; Tuberous sclerosis. Identifiers: Orphanet 805, MedGen C0041341, MONDO:0001734.

gnomAD v4.1: 3 of 1,613,588 alleles (0.00019%); highest among the groups gnomAD compares: African/African-American, 0.0027%; no homozygotes.

Submission:

Color Diagnostics, LLC DBA Color Health
Classification: Uncertain significance for Tuberous sclerosis syndrome. Last evaluated: 2025-07-07. Review status: criteria provided, single submitter. Criteria: ACMG Guidelines, 2015. Collection method: clinical testing. Allele origin: germline.
Comment: This variant is located in the 5' untranslated region of the TSC2 gene. To our knowledge, functional studies have not been reported for this variant. This variant has not been reported in individuals affected with TSC2-related disorders in the literature. This variant has not been identified in the general population by the Genome Aggregation Database (gnomAD). The available evidence is insufficient to determine the role of this variant in disease conclusively. Therefore, this variant is classified as a Variant of Uncertain Significance.